The following is an entry in ClinVar:

NM_004168.4(SDHA):c.1286A>T (p.Asp429Val)

Gene: SDHA (succinate dehydrogenase complex flavoprotein subunit A; plus strand). Cytogenetic location: 5p15.33.
Variant type: single nucleotide variant.
Coding change: c.1286A>T on transcript NM_004168.4 (MANE Select); coding-DNA position 1286, A replaced by T.
Protein change: p.Asp429Val; replaces aspartic acid 429 with valine.
Molecular consequence: missense variant.
Genome position (GRCh38, 1-based): chr5:236,453, A>T. VCF-style: chr5-236453-A-T. GRCh37 (hg19) VCF-style: chr5-236568-A-T.
Other names: c.1142A>T, p.Asp381Val (NM_001294332.2); c.1286A>T, p.Asp429Val (NM_001330758.2); short protein forms D381V, D429V.
Identifiers: ClinVar variation 2949020 (VCV002949020.3), dbSNP rs2477374645, ClinGen allele CA359013851.

ClinVar aggregate classification (germline): Uncertain significance (1 of 4 stars; one submission).

Conditions:
Mitochondrial complex II deficiency, nuclear type 1. Also called: SUCCINATE CoQ REDUCTASE DEFICIENCY. Identifiers: Orphanet 3208, MedGen C5700310, MONDO:0100294, OMIM 252011.
Pheochromocytoma/paraganglioma syndrome 5. Also called: Paragangliomas 5; SDHA-Related Hereditary Paraganglioma-Pheochromocytoma Syndrome. Identifiers: Orphanet 29072, MedGen C3279992, MONDO:0013602, OMIM 614165.

Submission:

Labcorp Genetics (formerly Invitae), Labcorp
Classification: Uncertain significance for Pheochromocytoma/paraganglioma syndrome 5; Mitochondrial complex II deficiency, nuclear type 1. Last evaluated: 2023-06-19. Review status: criteria provided, single submitter. Criteria: Invitae Variant Classification Sherloc (09022015). Collection method: clinical testing. Allele origin: germline.
Comment: In summary, the available evidence is currently insufficient to determine the role of this variant in disease. Therefore, it has been classified as a Variant of Uncertain Significance. Advanced modeling of protein sequence and biophysical properties (such as structural, functional, and spatial information, amino acid conservation, physicochemical variation, residue mobility, and thermodynamic stability) performed at Invitae indicates that this missense variant is not expected to disrupt SDHA protein function. This variant has not been reported in the literature in individuals affected with SDHA-related conditions. This variant is not present in population databases (gnomAD no frequency). This sequence change replaces aspartic acid, which is acidic and polar, with valine, which is neutral and non-polar, at codon 429 of the SDHA protein (p.Asp429Val).